The following is an entry in ClinVar:

NM_024989.4(PGAP1):c.2338-2A>C

Gene: PGAP1 (post-GPI attachment to proteins inositol deacylase 1; minus strand). Cytogenetic location: 2q33.1.
Variant type: single nucleotide variant.
Coding change: c.2338-2A>C on transcript NM_024989.4 (MANE Select); the canonical splice acceptor site of the intron before coding-DNA position 2338, A replaced by C.
Molecular consequence: splice acceptor variant.
Genome position (GRCh38, 1-based): chr2:196,844,077, T>G on the plus strand (A>C on the coding strand, the complement: PGAP1 is on the minus strand). VCF-style: chr2-196844077-T-G. GRCh37 (hg19) VCF-style: chr2-197708801-T-G.
Other names: c.1171-2A>C (NM_001321100.2); c.1816-2A>C (NM_001321099.2).
Identifiers: ClinVar variation 571870 (VCV000571870.7), dbSNP rs1559328283, ClinGen allele CA350184769.

ClinVar aggregate classification (germline): Likely pathogenic (1 of 4 stars; one submission).

Conditions:
Intellectual disability, autosomal recessive 42 (NEDDSBA). Also called: Neurodevelopmental disorder with dysmorphic features, spasticity, and brain abnormalities; GLYCOSYLPHOSPHATIDYLINOSITOL BIOSYNTHESIS DEFECT 9. Identifiers: Orphanet 88616, MedGen C4014343, MONDO:0014348, OMIM 615802.

gnomAD v4.1: 1 of 1,514,460 alleles (0.000066%); highest among the groups gnomAD compares: Non-Finnish European, 0.00009%; no homozygotes.

Submission:

Labcorp Genetics (formerly Invitae), Labcorp
Classification: Likely pathogenic for Intellectual disability, autosomal recessive 42. Last evaluated: 2018-04-28. Review status: criteria provided, single submitter. Criteria: Invitae Variant Classification Sherloc (09022015). Collection method: clinical testing. Allele origin: germline.
Comment: This sequence change affects an acceptor splice site in intron 24 of the PGAP1 gene. It is expected to disrupt RNA splicing and likely results in an absent or disrupted protein product. This variant is not present in population databases (ExAC no frequency). This variant has not been reported in the literature in individuals with PGAP1-related disease. Donor and acceptor splice site variants typically lead to a loss of protein function (PMID: 16199547), and loss-of-function variants in PGAP1 are known to be pathogenic (PMID: 17711852). In summary, the currently available evidence indicates that the variant is pathogenic, but additional data are needed to prove that conclusively. Therefore, this variant has been classified as Likely Pathogenic.

Literature cited by the submitters: PubMed 16199547; PubMed 17711852.